The following is an entry in ClinVar:

NM_006031.6(PCNT):c.1936+8C>T

Gene: PCNT (pericentrin; plus strand). Cytogenetic location: 21q22.3.
Variant type: single nucleotide variant.
Coding change: c.1936+8C>T on transcript NM_006031.6 (MANE Select); 8 bases into the intron after coding-DNA position 1936, C replaced by T.
Molecular consequence: intron variant.
Genome position (GRCh38, 1-based): chr21:46,355,634, C>T. VCF-style: chr21-46355634-C-T. GRCh37 (hg19) VCF-style: chr21-47775549-C-T.
Other names: c.1582+8C>T (NM_001315529.2); c.1936+8C>T (NM_006031.5).
Identifiers: ClinVar variation 1647722 (VCV001647722.10), dbSNP rs200759036, ClinGen allele CA10078810.

ClinVar aggregate classification (germline): Benign. Review status: criteria provided, single submitter (1 of 4 stars). 2 submissions from 2 submitters: Benign (1). 1 of the submissions does not count toward it. Last evaluated 2026-01-28.

Conditions:
PCNT-related disorder. Also called: PCNT-related condition.

Allele frequency attached by ClinVar (database versions not stated): gnomAD 0.00011 and 0.00022; gnomAD exomes 0.00016 and 0.00031; TOPMed 0.00019; ExAC 0.00040; 1000 Genomes Project 30x 0.00125; 1000 Genomes Project 0.00140.
gnomAD v4.1: 259 of 1,611,874 alleles (0.016%); highest among the groups gnomAD compares: East Asian, 0.55%; no homozygotes.

Submissions (2):

Labcorp Genetics (formerly Invitae), Labcorp
Classification: Benign. Last evaluated: 2026-01-28. Review status: criteria provided, single submitter. Criteria: Invitae Variant Classification Sherloc (09022015). Collection method: clinical testing. Allele origin: germline.

PreventionGenetics, part of Exact Sciences
Classification: Likely benign for PCNT-related condition. Last evaluated: 2022-08-05. Review status: no assertion criteria provided. Collection method: clinical testing. Allele origin: germline. Not counted in ClinVar's aggregate classification.
Comment: This variant is classified as likely benign based on ACMG/AMP sequence variant interpretation guidelines (Richards et al. 2015 PMID: 25741868, with internal and published modifications).